The following is an entry in ClinVar:

NM_001040108.2(MLH3):c.860G>C (p.Ser287Thr)

Gene: MLH3 (mutL homolog 3; minus strand). Cytogenetic location: 14q24.3.
Variant type: single nucleotide variant.
Coding change: c.860G>C on transcript NM_001040108.2 (MANE Select); coding-DNA position 860, G replaced by C.
Protein change: p.Ser287Thr; replaces serine 287 with threonine.
Molecular consequence: missense variant.
Genome position (GRCh38, 1-based): chr14:75,048,796, C>G on the plus strand (G>C on the coding strand, the complement: MLH3 is on the minus strand). VCF-style: chr14-75048796-C-G. GRCh37 (hg19) VCF-style: chr14-75515499-C-G.
Other names: c.860G>C, p.Ser287Thr (NM_014381.3); short protein forms S287T.
Identifiers: ClinVar variation 4860236 (VCV004860236.1).

ClinVar aggregate classification (germline): Uncertain significance (1 of 4 stars; one submission).

Submission:

Ambry Genetics
Classification: Uncertain significance. Last evaluated: 2026-06-10. Review status: criteria provided, single submitter. Criteria: Ambry Variant Classification Scheme 2023. Collection method: clinical testing. Allele origin: germline.
Comment: The p.S287T variant (also known as c.860G>C), located in coding exon 1 of the MLH3 gene, results from a G to C substitution at nucleotide position 860. The serine at codon 287 is replaced by threonine, an amino acid with similar properties. This amino acid position is conserved. In addition, this alteration is predicted to be tolerated by in silico analysis. Based on the available evidence, the clinical significance of this variant remains unclear.